The following is an entry in ClinVar:

ClinVar aggregate classification (germline): Benign/Likely benign. Review status: criteria provided, multiple submitters, no conflicts (2 of 4 stars). 3 submissions from 3 submitters: Benign (1); Likely benign (2). Last evaluated 2025-02-02.

Conditions:
Ataxia-telangiectasia syndrome (AT). Also called: ATAXIA-TELANGIECTASIA, COMPLEMENTATION GROUP A; Ataxia telangiectasia (A-T); Cerebello-oculocutaneous telangiectasia; Immunodeficiency with ataxia telangiectasia; ATAXIA-TELANGIECTASIA, FRESNO VARIANT; Ataxia-telangiectasia, complementation group D. Identifiers: Orphanet 100, MedGen C0004135, MONDO:0008840, OMIM 208900.
Hereditary cancer-predisposing syndrome. Also called: Neoplastic Syndromes, Hereditary; Hereditary neoplastic syndrome; Tumor predisposition; Hereditary Cancer Syndrome. Identifiers: Orphanet 140162, MedGen C0027672, MeSH D009386, MONDO:0015356.
Familial cancer of breast. Also called: Hereditary breast cancer; BREAST CANCER, FAMILIAL; hereditary breast carcinoma. Identifiers: Orphanet 227535, MedGen C0346153, MONDO:0016419, OMIM 114480. Disease mechanism: loss of function.

Allele frequency attached by ClinVar (database versions not stated): gnomAD exomes below 0.00001.

Submissions (3):

Ambry Genetics
Classification: Likely benign for Hereditary cancer-predisposing syndrome. Last evaluated: 2025-02-02. Review status: criteria provided, single submitter. Criteria: Ambry Variant Classification Scheme 2023. Collection method: clinical testing. Allele origin: germline.

Myriad Genetics, Inc.
Classification: Benign for Familial cancer of breast. Last evaluated: 2024-05-17. Review status: criteria provided, single submitter. Criteria: Myriad Autosomal Dominant, Autosomal Recessive and X-Linked Classification Criteria (2023). Collection method: clinical testing. Allele origin: unknown.
Comment: This variant is considered benign. This variant is a silent/synonymous amino acid change and it is not expected to impact splicing.

Labcorp Genetics (formerly Invitae), Labcorp
Classification: Likely benign for Ataxia-telangiectasia syndrome. Last evaluated: 2023-07-08. Review status: criteria provided, single submitter. Criteria: Invitae Variant Classification Sherloc (09022015). Collection method: clinical testing. Allele origin: germline.

NM_000051.4(ATM):c.4290T>C (p.Asn1430=)

Gene: ATM (ATM serine/threonine kinase; plus strand). Cytogenetic location: 11q22.3.
Variant type: single nucleotide variant.
Coding change: c.4290T>C on transcript NM_000051.4 (MANE Select); coding-DNA position 4290, T replaced by C.
Protein change: p.Asn1430=; no amino-acid change (asparagine 1430 retained).
Molecular consequence: synonymous variant.
Genome position (GRCh38, 1-based): chr11:108,289,655, T>C. VCF-style: chr11-108289655-T-C. GRCh37 (hg19) VCF-style: chr11-108160382-T-C.
Other names: c.4290T>C, p.Asn1430= (NM_001351834.2); c.4290T>C (NM_000051.3).
Identifiers: ClinVar variation 1130599 (VCV001130599.11), dbSNP rs1431970078, ClinGen allele CA476673872.
Genomic context (GRCh38, chr11:108,289,655, plus strand): 5'-TTTCTAGGATTCCTATCAGAAAATTCTTCTTGCCATATGTGAGCAAGCAGCTGAAACAAA[T>C]AATGTTTATAAGAAGCACAGAATTCTTAAAATATATCACCTGTTTGTTAGTTTATTACTG-3'
Protein context (NP_000042.3, residues 1420-1440): LAICEQAAET[Asn1430=]NVYKKHRILK